The following is an entry in ClinVar:

NM_012106.4(ARL2BP):c.39-1G>C

Gene: ARL2BP (ARF like GTPase 2 binding protein; plus strand). Cytogenetic location: 16q13.
Variant type: single nucleotide variant.
Coding change: c.39-1G>C on transcript NM_012106.4 (MANE Select); the canonical splice acceptor site of the intron before coding-DNA position 39, G replaced by C.
Molecular consequence: splice acceptor variant.
Genome position (GRCh38, 1-based): chr16:57,246,079, G>C. VCF-style: chr16-57246079-G-C. GRCh37 (hg19) VCF-style: chr16-57279991-G-C.
Identifiers: ClinVar variation 850967 (VCV000850967.8), dbSNP rs2075389484, ClinGen allele CA396020986.

ClinVar aggregate classification (germline): Likely pathogenic (1 of 4 stars; one submission).

Allele frequency attached by ClinVar (database versions not stated): gnomAD exomes below 0.00001.
gnomAD v4.1: 1 of 1,613,774 alleles (0.000062%); highest among the groups gnomAD compares: East Asian, 0.0022%; no homozygotes.

Submission:

Labcorp Genetics (formerly Invitae), Labcorp
Classification: Likely pathogenic. Last evaluated: 2023-08-22. Review status: criteria provided, single submitter. Criteria: Invitae Variant Classification Sherloc (09022015). Collection method: clinical testing. Allele origin: germline.
Comment: In summary, the currently available evidence indicates that the variant is pathogenic, but additional data are needed to prove that conclusively. Therefore, this variant has been classified as Likely Pathogenic. Algorithms developed to predict the effect of sequence changes on RNA splicing suggest that this variant may disrupt the consensus splice site. ClinVar contains an entry for this variant (Variation ID: 850967). This variant has not been reported in the literature in individuals affected with ARL2BP-related conditions. This variant is not present in population databases (gnomAD no frequency). This sequence change affects an acceptor splice site in intron 1 of the ARL2BP gene. It is expected to disrupt RNA splicing. Variants that disrupt the donor or acceptor splice site typically lead to a loss of protein function (PMID: 16199547), and loss-of-function variants in ARL2BP are known to be pathogenic (PMID: 23849777, 27790702, 29718757, 30210231).

Literature cited by the submitters: PubMed 16199547; PubMed 23849777; PubMed 27790702; PubMed 29718757; PubMed 30210231.